The following is an entry in ClinVar:

NM_001077653.2(TBX20):c.71T>G (p.Met24Arg)

Gene: TBX20 (T-box transcription factor 20; minus strand). Cytogenetic location: 7p14.2.
Variant type: single nucleotide variant.
Coding change: c.71T>G on transcript NM_001077653.2 (MANE Select); coding-DNA position 71, T replaced by G.
Protein change: p.Met24Arg; replaces methionine 24 with arginine.
Molecular consequence: missense variant.
Genome position (GRCh38, 1-based): chr7:35,253,550, A>C on the plus strand (T>G on the coding strand, the complement: TBX20 is on the minus strand). VCF-style: chr7-35253550-A-C. GRCh37 (hg19) VCF-style: chr7-35293161-A-C.
Other names: c.71T>G, p.Met24Arg (NM_001166220.1); short protein forms M24R.
Identifiers: ClinVar variation 2806990 (VCV002806990.3), dbSNP rs2546999444, ClinGen allele CA367265571.

ClinVar aggregate classification (germline): Uncertain significance (1 of 4 stars; one submission).

Allele frequency attached by ClinVar (database versions not stated): gnomAD exomes below 0.00001.
gnomAD v4.1: 1 of 1,612,872 alleles (0.000062%); highest among the groups gnomAD compares: Non-Finnish European, 0.000085%; no homozygotes.

Submission:

Labcorp Genetics (formerly Invitae), Labcorp
Classification: Uncertain significance. Last evaluated: 2023-07-28. Review status: criteria provided, single submitter. Criteria: Invitae Variant Classification Sherloc (09022015). Collection method: clinical testing. Allele origin: germline.
Comment: In summary, the available evidence is currently insufficient to determine the role of this variant in disease. Therefore, it has been classified as a Variant of Uncertain Significance. An algorithm developed to predict the effect of missense changes on protein structure and function (PolyPhen-2) suggests that this variant is likely to be tolerated. This variant has not been reported in the literature in individuals affected with TBX20-related conditions. This variant is not present in population databases (gnomAD no frequency). This sequence change replaces methionine, which is neutral and non-polar, with arginine, which is basic and polar, at codon 24 of the TBX20 protein (p.Met24Arg).